The following is an entry in ClinVar:

NM_001394062.1(MACF1):c.2793C>T (p.Val931=)

Gene: MACF1 (microtubule actin crosslinking factor 1; plus strand). Cytogenetic location: 1p34.3.
Variant type: single nucleotide variant.
Coding change: c.2793C>T on transcript NM_001394062.1 (MANE Select); coding-DNA position 2793, C replaced by T.
Protein change: p.Val931=; no amino-acid change (valine 931 retained).
Molecular consequence: synonymous variant.
Genome position (GRCh38, 1-based): chr1:39,309,573, C>T. VCF-style: chr1-39309573-C-T. GRCh37 (hg19) VCF-style: chr1-39775245-C-T.
Other names: c.2808C>T, p.Val936= (NM_012090.5).
Identifiers: ClinVar variation 1619756 (VCV001619756.12), dbSNP rs74718295, ClinGen allele CA779810.
Genomic context (GRCh38, chr1:39,309,573, plus strand): 5'-TCTAATGTGGAGCTGAAGTCTTACAAAGGTAATAGTCAGGTTCTGTGTTATTTCTAGGGT[C>T]GAACAATCTTATCAGAAGGTTATGGCCCTTTGGCATCAGCTGCATGTTAACACCAAAAGC-3'
Protein context (NP_001380991.1, residues 921-941): NKDAIEMASR[Val931=]EQSYQKVMAL

ClinVar aggregate classification (germline): Benign/Likely benign. Review status: criteria provided, multiple submitters, no conflicts (2 of 4 stars). 5 submissions from 5 submitters: Benign (2); Likely benign (2). 1 of the submissions does not count toward it. Last evaluated 2026-01-05.

Conditions:
MACF1-related disorder. Also called: MACF1-related condition.
Lissencephaly 9 with complex brainstem malformation. Identifiers: Orphanet 572013, MedGen C5193029, MONDO:0032677, OMIM 618325.

Allele frequency attached by ClinVar (database versions not stated): gnomAD exomes 0.00255; ExAC 0.00301; gnomAD 0.00998 and 0.01044; 1000 Genomes Project 30x 0.01015; 1000 Genomes Project 0.01018; TOPMed 0.01055; ESP Exome Variant Server 0.01176.
gnomAD v4.1: 2,882 of 1,613,938 alleles (0.18%); highest among the groups gnomAD compares: African/African-American, 3.4%; 48 homozygotes.

Submissions (5):

Labcorp Genetics (formerly Invitae), Labcorp
Classification: Benign. Last evaluated: 2026-01-05. Review status: criteria provided, single submitter. Criteria: Invitae Variant Classification Sherloc (09022015). Collection method: clinical testing. Allele origin: germline.

Genome-Nilou Lab
Classification: Likely benign for Lissencephaly 9 with complex brainstem malformation. Last evaluated: 2023-04-11. Review status: criteria provided, single submitter. Criteria: ACMG Guidelines, 2015. Collection method: clinical testing. Allele origin: germline. Affected: no.

Fulgent Genetics
Classification: Likely benign for Lissencephaly 9 with complex brainstem malformation. Last evaluated: 2021-09-27. Review status: criteria provided, single submitter. Criteria: ACMG Guidelines, 2015. Collection method: clinical testing. Allele origin: unknown.

Breakthrough Genomics
Classification: Benign. Review status: criteria provided, single submitter. Criteria: ACMG Guidelines, 2015. Collection method: not provided. Allele origin: germline. Inheritance: Autosomal dominant inheritance. Affected: yes.

PreventionGenetics, part of Exact Sciences
Classification: Benign for MACF1-related condition. Last evaluated: 2024-03-21. Review status: no assertion criteria provided. Collection method: clinical testing. Allele origin: germline. Not counted in ClinVar's aggregate classification.
Comment: This variant is classified as benign based on ACMG/AMP sequence variant interpretation guidelines (Richards et al. 2015 PMID: 25741868, with internal and published modifications).